The following is an entry in ClinVar:

NM_004431.5(EPHA2):c.813T>C (p.Asp271=)

Gene: EPHA2 (EPH receptor A2; minus strand). Cytogenetic location: 1p36.13.
Variant type: single nucleotide variant.
Coding change: c.813T>C on transcript NM_004431.5 (MANE Select); coding-DNA position 813, T replaced by C.
Protein change: p.Asp271=; no amino-acid change (aspartic acid 271 retained).
Molecular consequence: synonymous variant.
Genome position (GRCh38, 1-based): chr1:16,148,388, A>G on the plus strand (T>C on the coding strand, the complement: EPHA2 is on the minus strand). VCF-style: chr1-16148388-A-G. GRCh37 (hg19) VCF-style: chr1-16474883-A-G.
Other names: c.651T>C, p.Asp217= (NM_001329090.2).
Identifiers: ClinVar variation 4991230 (VCV004991230.1).

ClinVar aggregate classification (germline): Likely benign (1 of 4 stars; one submission).

Conditions:
EPHA2-related disorder. Also called: EPHA2-related condition.

gnomAD v4.1: 7 of 1,613,634 alleles (0.00043%); highest among the groups gnomAD compares: South Asian, 0.0066%; no homozygotes.

Submission:

PreventionGenetics, part of Exact Sciences
Classification: Likely benign for EPHA2-related condition. Last evaluated: 2026-05-20. Review status: criteria provided, single submitter. Criteria: ACMG Guidelines, 2015. Collection method: clinical testing. Allele origin: germline.
Comment: This variant is classified as likely benign based on ACMG/AMP sequence variant interpretation guidelines (Richards et al. 2015 PMID: 25741868, with internal and published modifications).